The following is an entry in ClinVar:

NM_017654.4(SAMD9):c.1082C>T (p.Ala361Val)

Gene: SAMD9 (sterile alpha motif domain containing 9; minus strand). Cytogenetic location: 7q21.2.
Variant type: single nucleotide variant.
Coding change: c.1082C>T on transcript NM_017654.4 (MANE Select); coding-DNA position 1082, C replaced by T.
Protein change: p.Ala361Val; replaces alanine 361 with valine.
Molecular consequence: missense variant.
Genome position (GRCh38, 1-based): chr7:93,105,016, G>A on the plus strand (C>T on the coding strand, the complement: SAMD9 is on the minus strand). VCF-style: chr7-93105016-G-A. GRCh37 (hg19) VCF-style: chr7-92734329-G-A.
Other names: c.1082C>T, p.Ala361Val (NM_001193307.2); short protein forms A361V.
Identifiers: ClinVar variation 4863797 (VCV004863797.1).

ClinVar aggregate classification (germline): Uncertain significance (1 of 4 stars; one submission).

Conditions:
Inborn genetic diseases. Identifiers: MedGen C0950123, MeSH D030342.

gnomAD v4.1: 2 of 1,613,578 alleles (0.00012%); highest among the groups gnomAD compares: Admixed American, 0.0017%; no homozygotes.

Submission:

Ambry Genetics
Classification: Uncertain significance for Inborn genetic diseases. Last evaluated: 2026-04-04. Review status: criteria provided, single submitter. Criteria: Ambry Variant Classification Scheme 2023. Collection method: clinical testing. Allele origin: germline.
Comment: The p.A361V variant (also known as c.1082C>T), located in coding exon 1 of the SAMD9 gene, results from a C to T substitution at nucleotide position 1082. The alanine at codon 361 is replaced by valine, an amino acid with similar properties. This amino acid position is conserved. In addition, this alteration is predicted to be tolerated by in silico analysis. Based on the available evidence, the clinical significance of this variant remains unclear.